The following is an entry in ClinVar:

ClinVar aggregate classification (germline): Benign. Review status: criteria provided, multiple submitters, no conflicts (2 of 4 stars). 8 submissions from 4 submitters: Benign (8). Last evaluated 2020-02-26.

Conditions:
Beare-Stevenson cutis gyrata syndrome (BSTVS). Identifiers: Orphanet 1555, MedGen C1852406, MONDO:0007412, OMIM 123790.
Saethre-Chotzen syndrome (SCS). Also called: ACROCEPHALY, SKULL ASYMMETRY, AND MILD SYNDACTYLY; ACS III; CHOTZEN SYNDROME. Identifiers: Orphanet 794, MedGen C0175699, MONDO:0007042, OMIM 101400.
Isolated Coronal Synostosis. Identifiers: MedGen CN043619.
Crouzon syndrome. Also called: CRANIOFACIAL DYSOSTOSIS, TYPE I; Craniofacial dysostosis; Craniofacial dysostosis type 1; Crouzon craniofacial dysostosis; Crouzon disease. Identifiers: Orphanet 207, MedGen C0010273, MeSH D003394, MONDO:0007405, OMIM 123500, HP:0004439.
Craniosynostosis syndrome. Also called: Craniosynostosis. Identifiers: Orphanet 1531, MedGen C0010278, MeSH D003398, MONDO:0015469, HP:0001363.

Allele frequency attached by ClinVar (database versions not stated): gnomAD exomes 0.07321; gnomAD 0.13260 and 0.13622; TOPMed 0.14086; 1000 Genomes Project 0.14696; 1000 Genomes Project 30x 0.14803.
gnomAD v4.1: 38,171 of 392,998 alleles (9.7%); highest among the groups gnomAD compares: African/African-American, 29%; 2,977 homozygotes.

Submissions (8):

Dubai Health Genomic Medicine Center, Dubai Health
Classification: Benign. Last evaluated: 2020-02-26. Review status: criteria provided, single submitter. Criteria: ACMG Guidelines, 2015. Collection method: clinical testing. Allele origin: germline. Affected: yes.

Illumina Laboratory Services, Illumina
Classification: Benign for Beare-Stevenson cutis gyrata syndrome. Last evaluated: 2018-01-13. Review status: criteria provided, single submitter. Criteria: ICSL Variant Classification Criteria 13 December 2019. Collection method: clinical testing. Allele origin: germline.
Comment: This variant was observed in the ICSL laboratory as part of a predisposition screen in an ostensibly healthy population. It had not been previously curated by ICSL or reported in the Human Gene Mutation Database (HGMD: prior to June 1st, 2018), and was therefore a candidate for classification through an automated scoring system. Utilizing variant allele frequency, disease prevalence and penetrance estimates, and inheritance mode, an automated score was calculated to assess if this variant is too frequent to cause the disease. Based on the score and internal cut-off values, a variant classified as benign is not then subjected to further curation. The score for this variant resulted in a classification of benign for this disease.

Illumina Laboratory Services, Illumina
Classification: Benign for Crouzon syndrome. Last evaluated: 2018-01-13. Review status: criteria provided, single submitter. Criteria: ICSL Variant Classification Criteria 13 December 2019. Collection method: clinical testing. Allele origin: germline.
Comment: the same text as in the submission from Illumina Laboratory Services, Illumina above.

Illumina Laboratory Services, Illumina
Classification: Benign for Isolated coronal synostosis. Last evaluated: 2018-01-13. Review status: criteria provided, single submitter. Criteria: ICSL Variant Classification Criteria 13 December 2019. Collection method: clinical testing. Allele origin: germline.
Comment: the same text as in the submission from Illumina Laboratory Services, Illumina above.

Illumina Laboratory Services, Illumina
Classification: Benign for Craniosynostosis. Last evaluated: 2018-01-13. Review status: criteria provided, single submitter. Criteria: ICSL Variant Classification Criteria 13 December 2019. Collection method: clinical testing. Allele origin: germline.
Comment: the same text as in the submission from Illumina Laboratory Services, Illumina above.

Illumina Laboratory Services, Illumina
Classification: Benign for Saethre-Chotzen syndrome. Last evaluated: 2018-01-13. Review status: criteria provided, single submitter. Criteria: ICSL Variant Classification Criteria 13 December 2019. Collection method: clinical testing. Allele origin: germline.
Comment: the same text as in the submission from Illumina Laboratory Services, Illumina above.

GeneDx
Classification: Benign. Last evaluated: 2016-05-06. Review status: criteria provided, single submitter. Criteria: GeneDx Variant Classification (06012015). Collection method: clinical testing. Allele origin: germline. Affected: yes.
Comment: This variant is considered likely benign or benign based on one or more of the following criteria: it is a conservative change, it occurs at a poorly conserved position in the protein, it is predicted to be benign by multiple in silico algorithms, and/or has population frequency not consistent with disease.

Breakthrough Genomics
Classification: Benign. Review status: criteria provided, single submitter. Criteria: ACMG Guidelines, 2015. Collection method: not provided. Allele origin: germline. Inheritance: Autosomal dominant inheritance. Affected: yes.

NM_000141.5(FGFR2):c.-157A>G

Gene: FGFR2 (fibroblast growth factor receptor 2; minus strand). Cytogenetic location: 10q26.13.
Variant type: single nucleotide variant.
Coding change: c.-157A>G on transcript NM_000141.5 (MANE Select); 157 bases upstream of the start codon, A replaced by G.
Molecular consequence: 5 prime UTR variant. On other transcripts: non-coding transcript variant (1).
Genome position (GRCh38, 1-based): chr10:121,597,968, T>C on the plus strand (A>G on the coding strand, the complement: FGFR2 is on the minus strand). VCF-style: chr10-121597968-T-C. GRCh37 (hg19) VCF-style: chr10-123357482-T-C.
Other names: c.-157A>G (NM_001144917.2, NM_001144918.2, NM_001144919.2 and 3 more transcripts).
Identifiers: ClinVar variation 299016 (VCV000299016.8), dbSNP rs41258305, ClinGen allele CA10635076.